The following is an entry in ClinVar:

NM_001270508.2(TNFAIP3):c.2049T>G (p.Asn683Lys)

Gene: TNFAIP3 (TNF alpha induced protein 3; plus strand). Cytogenetic location: 6q23.3.
Variant type: single nucleotide variant.
Coding change: c.2049T>G on transcript NM_001270508.2 (MANE Select); coding-DNA position 2049, T replaced by G.
Protein change: p.Asn683Lys; replaces asparagine 683 with lysine.
Molecular consequence: missense variant.
Genome position (GRCh38, 1-based): chr6:137,880,213, T>G. VCF-style: chr6-137880213-T-G. GRCh37 (hg19) VCF-style: chr6-138201350-T-G.
Other names: c.2049T>G, p.Asn683Lys (NM_001270507.2, NM_006290.4); short protein forms N683K.
Identifiers: ClinVar variation 2997789 (VCV002997789.3), dbSNP rs961008678, ClinGen allele CA148264659.

ClinVar aggregate classification (germline): Uncertain significance (1 of 4 stars; one submission).

Allele frequency attached by ClinVar (database versions not stated): gnomAD exomes below 0.00001.
gnomAD v4.1: 2 of 1,614,162 alleles (0.00012%); highest among the groups gnomAD compares: Non-Finnish European, 0.000085%; no homozygotes.

Submission:

Labcorp Genetics (formerly Invitae), Labcorp
Classification: Uncertain significance. Last evaluated: 2022-12-30. Review status: criteria provided, single submitter. Criteria: Invitae Variant Classification Sherloc (09022015). Collection method: clinical testing. Allele origin: germline.
Comment: In summary, the available evidence is currently insufficient to determine the role of this variant in disease. Therefore, it has been classified as a Variant of Uncertain Significance. Algorithms developed to predict the effect of missense changes on protein structure and function (SIFT, PolyPhen-2, Align-GVGD) all suggest that this variant is likely to be tolerated. This variant has not been reported in the literature in individuals affected with TNFAIP3-related conditions. This variant is present in population databases (no rsID available, gnomAD 0.0009%). This sequence change replaces asparagine, which is neutral and polar, with lysine, which is basic and polar, at codon 683 of the TNFAIP3 protein (p.Asn683Lys).